The following is an entry in ClinVar:

NM_004006.3(DMD):c.7969A>G (p.Arg2657Gly)

Gene: DMD (dystrophin; minus strand). Cytogenetic location: Xp21.1.
Variant type: single nucleotide variant.
Coding change: c.7969A>G on transcript NM_004006.3 (MANE Select); coding-DNA position 7969, A replaced by G.
Protein change: p.Arg2657Gly; replaces arginine 2657 with glycine.
Molecular consequence: missense variant.
Genome position (GRCh38, 1-based): chrX:31,658,048, T>C on the plus strand (A>G on the coding strand, the complement: DMD is on the minus strand). VCF-style: chrX-31658048-T-C. GRCh37 (hg19) VCF-style: chrX-31676165-T-C.
Other names: c.7945A>G, p.Arg2649Gly (NM_000109.4); c.7957A>G, p.Arg2653Gly (NM_004009.3); c.7600A>G, p.Arg2534Gly (NM_004010.3); c.3946A>G, p.Arg1316Gly (NM_004011.4); c.3937A>G, p.Arg1313Gly (NM_004012.4); c.589A>G, p.Arg197Gly (NM_004013.3, NM_004020.4, NM_004021.3 and 2 more transcripts); short protein forms R2534G, R2649G, R2657G, R1313G, R197G, R1316G, R2653G.
Identifiers: ClinVar variation 1389855 (VCV001389855.6), dbSNP rs778467350, ClinGen allele CA412655845.
Genomic context (GRCh38, chrX:31,658,048, plus strand): 5'-ACCTTTTATGAATGCTTCTCCAAGAGGCATTGATATTCTCTGTTATCATGTGGACTTTTC[T>C]GGTATCATCTGCAGAATAATCCCGGAGAAGTTTCAGGGCCAAGTCATTTGCCACATCTAC-3'
Protein context (NP_003997.2, residues 2647-2667): LLRDYSADDT[Arg2657Gly]KVHMITENIN

ClinVar aggregate classification (germline): Uncertain significance (1 of 4 stars; one submission).

Conditions:
Duchenne muscular dystrophy (DMD). Also called: MUSCULAR DYSTROPHY, PSEUDOHYPERTROPHIC PROGRESSIVE, DUCHENNE TYPE; Duchenne Muscular Dystrophy (DMD). Identifiers: Orphanet 98896, MedGen C0013264, MONDO:0010679, OMIM 310200.

Submission:

Labcorp Genetics (formerly Invitae), Labcorp
Classification: Uncertain significance for Duchenne muscular dystrophy. Last evaluated: 2021-10-28. Review status: criteria provided, single submitter. Criteria: Invitae Variant Classification Sherloc (09022015). Collection method: clinical testing. Allele origin: germline.
Comment: In summary, the available evidence is currently insufficient to determine the role of this variant in disease. Therefore, it has been classified as a Variant of Uncertain Significance. Algorithms developed to predict the effect of missense changes on protein structure and function (SIFT, PolyPhen-2, Align-GVGD) all suggest that this variant is likely to be tolerated. This variant has not been reported in the literature in individuals affected with DMD-related conditions. This variant is not present in population databases (gnomAD no frequency). This sequence change replaces arginine, which is basic and polar, with glycine, which is neutral and non-polar, at codon 2657 of the DMD protein (p.Arg2657Gly).